The following is an entry in ClinVar:

NM_001036.6(RYR3):c.10816-3del

Gene: RYR3 (ryanodine receptor 3; plus strand). Cytogenetic location: 15q14.
Variant type: Deletion.
Coding change: c.10816-3del on transcript NM_001036.6 (MANE Select); 3 bases into the intron before coding-DNA position 10816, one base deleted (C; older notation c.10816-3delC).
Molecular consequence: intron variant.
Genome position (GRCh38, 1-based): chr15:33,821,267, C deleted; the last of 6 consecutive C bases (chr15:33,821,262-33,821,267); deleting any one gives the same sequence. VCF-style (leftmost placement, unchanged base first): chr15-33821261-TC-T. GRCh37 (hg19) VCF-style: chr15-34113462-TC-T.
Other names: c.10801-3del (NM_001243996.4).
Identifiers: ClinVar variation 954053 (VCV000954053.9), dbSNP rs753142811, ClinGen allele CA7461014.

ClinVar aggregate classification (germline): Uncertain significance (1 of 4 stars; one submission).

Conditions:
Epileptic encephalopathy. Identifiers: MedGen C0543888, HP:0200134.

Submission:

Labcorp Genetics (formerly Invitae), Labcorp
Classification: Uncertain significance for Epileptic encephalopathy. Last evaluated: 2019-08-13. Review status: criteria provided, single submitter. Criteria: Invitae Variant Classification Sherloc (09022015). Collection method: clinical testing. Allele origin: germline.
Comment: This variant has not been reported in the literature in individuals with RYR3-related conditions. This variant is present in population databases (rs753142811, ExAC 0.003%). This sequence change falls in intron 78 of the RYR3 gene. It does not directly change the encoded amino acid sequence of the RYR3 protein, but it affects a nucleotide within the consensus splice site of the intron. Nucleotide substitutions within the consensus splice site are a relatively common cause of aberrant splicing (PMID: 17576681, 9536098). Algorithms developed to predict the effect of sequence changes on RNA splicing suggest that this variant is not likely to affect RNA splicing, but this prediction has not been confirmed by published transcriptional studies. In summary, the available evidence is currently insufficient to determine the role of this variant in disease. Therefore, it has been classified as a Variant of Uncertain Significance.

Literature cited by the submitters: PubMed 17576681; PubMed 9536098.